The following is an entry in ClinVar:

NM_032608.7(MYO18B):c.2869A>G (p.Lys957Glu)

Gene: MYO18B (myosin XVIIIB; plus strand). Cytogenetic location: 22q12.1.
Variant type: single nucleotide variant.
Coding change: c.2869A>G on transcript NM_032608.7 (MANE Select); coding-DNA position 2869, A replaced by G.
Protein change: p.Lys957Glu; replaces lysine 957 with glutamic acid.
Molecular consequence: missense variant.
Genome position (GRCh38, 1-based): chr22:25,828,858, A>G. VCF-style: chr22-25828858-A-G. GRCh37 (hg19) VCF-style: chr22-26224825-A-G.
Other names: c.2869A>G (NM_032608.6); c.2869A>G, p.Lys957Glu (NM_001318245.2); short protein forms K957E.
Identifiers: ClinVar variation 1013204 (VCV001013204.48), dbSNP rs200316291, ClinGen allele CA10160356.

ClinVar aggregate classification (germline): Benign/Likely benign. Review status: criteria provided, multiple submitters, no conflicts (2 of 4 stars). 7 submissions from 7 submitters: Benign (1); Likely benign (5). 1 of the submissions does not count toward it. Last evaluated 2026-09-01.

Conditions:
MYO18B-related disorder. Also called: MYO18B-related condition.
Limb-girdle muscular dystrophy (LGMD). Also called: Muscular Dystrophies, Limb-Girdle. Identifiers: Orphanet 263, MedGen C0686353, MeSH D049288, MONDO:0016971, HP:0006785.

Allele frequency attached by ClinVar (database versions not stated): 1000 Genomes Project 30x 0.00062; 1000 Genomes Project 0.00080; gnomAD 0.00125 and 0.00131; ExAC 0.00149; gnomAD exomes 0.00158 and 0.00176; ESP Exome Variant Server 0.00162; TOPMed 0.00163.
gnomAD v4.1: 2,767 of 1,613,958 alleles (0.17%); highest among the groups gnomAD compares: Middle Eastern, 0.41%; 6 homozygotes.

Submissions (7):

CeGaT Center for Human Genetics Tuebingen
Classification: Likely benign. Last evaluated: 2026-09-01. Review status: criteria provided, single submitter. Criteria: CeGaT Center For Human Genetics Tuebingen Variant Classification Criteria Version 2. Collection method: clinical testing. Allele origin: germline. Affected: yes. Observed: 12 variant alleles.
Comment: MYO18B: BP4, BS2

Labcorp Genetics (formerly Invitae), Labcorp
Classification: Likely benign. Last evaluated: 2026-01-13. Review status: criteria provided, single submitter. Criteria: Invitae Variant Classification Sherloc (09022015). Collection method: clinical testing. Allele origin: germline.

Genomic Medicine Center of Excellence, King Faisal Specialist Hospital and Research Centre
Classification: Likely benign. Last evaluated: 2025-08-18. Review status: criteria provided, single submitter. Criteria: ACMG Guidelines, 2015. Collection method: clinical testing. Allele origin: germline.

Blueprint Genetics
Classification: Likely benign. Last evaluated: 2024-11-25. Review status: criteria provided, single submitter. Criteria: ACMG Guidelines, 2015. Collection method: clinical testing. Allele origin: germline.

Cambridge Genomics Laboratory, East Genomic Laboratory Hub, NHS Genomic Medicine Service
Classification: Benign for Limb-girdle muscular dystrophy. Last evaluated: 2019-04-17. Review status: criteria provided, single submitter. Criteria: ACGS Best Practice Guidelines for Variant Classification in Rare Disease 2020. Collection method: clinical testing. Allele origin: germline. Affected: yes. Observed: 1 variant allele.

Breakthrough Genomics
Classification: Likely benign. Review status: criteria provided, single submitter. Criteria: ACMG Guidelines, 2015. Collection method: not provided. Allele origin: germline. Inheritance: Autosomal recessive inheritance. Affected: yes.

PreventionGenetics, part of Exact Sciences
Classification: Likely benign for MYO18B-related condition. Last evaluated: 2021-01-05. Review status: no assertion criteria provided. Collection method: clinical testing. Allele origin: germline. Not counted in ClinVar's aggregate classification.
Comment: This variant is classified as likely benign based on ACMG/AMP sequence variant interpretation guidelines (Richards et al. 2015 PMID: 25741868, with internal and published modifications).